The following is an entry in ClinVar:

ClinVar aggregate classification (germline): Likely benign (0 of 4 stars; one submission).

Conditions:
KCNQ1-related disorder. Also called: KCNQ1-related condition; KCNQ1-related disorders. Identifiers: MedGen CN239322.

Submission:

PreventionGenetics, part of Exact Sciences
Classification: Likely benign for KCNQ1-related condition. Last evaluated: 2024-04-03. Review status: no assertion criteria provided. Collection method: clinical testing. Allele origin: germline.
Comment: This variant is classified as likely benign based on ACMG/AMP sequence variant interpretation guidelines (Richards et al. 2015 PMID: 25741868, with internal and published modifications).

NM_000218.3(KCNQ1):c.1394-32867A>C

Genes: KCNQ1 (potassium voltage-gated channel subfamily Q member 1; plus strand), KCNQ1OT1 (KCNQ1 opposite strand/antisense transcript 1; minus strand). Cytogenetic location: 11p15.5.
Variant type: single nucleotide variant.
Coding change: c.1394-32867A>C on transcript NM_000218.3 (MANE Select); 32867 bases into the intron before coding-DNA position 1394, A replaced by C.
Molecular consequence: intron variant. On other transcripts: non-coding transcript variant (1).
Genome position (GRCh38, 1-based): chr11:2,629,094, A>C. VCF-style: chr11-2629094-A-C. GRCh37 (hg19) VCF-style: chr11-2650324-A-C.
Other names: c.1124-32867A>C (NM_001406837.1); c.1298-32867A>C (NM_001406836.1); c.854-32867A>C (NM_001406838.1); c.1013-32867A>C (NM_181798.2).
Identifiers: ClinVar variation 3349497 (VCV003349497.1).